The following is an entry in ClinVar:

ClinVar aggregate classification (germline): Uncertain significance. Review status: criteria provided, multiple submitters, no conflicts (2 of 4 stars). 3 submissions from 3 submitters: Uncertain significance (3). Last evaluated 2023-10-01.

Conditions:
Retinal dystrophy. Also called: Inherited retinal dystrophy. Identifiers: Orphanet 71862, MedGen C0854723, MeSH D058499, MONDO:0019118, HP:0000556.

Allele frequency attached by ClinVar (database versions not stated): TOPMed below 0.00001; gnomAD 0.00001; gnomAD exomes 0.00002 and 0.00005; ExAC 0.00005.
gnomAD v4.1: 31 of 1,613,766 alleles (0.0019%); highest among the groups gnomAD compares: East Asian, 0.051%; no homozygotes.

Submissions (3):

Dept Of Ophthalmology, Nagoya University
Classification: Uncertain significance for Retinal dystrophy. Last evaluated: 2023-10-01. Review status: criteria provided, single submitter. Criteria: Submitter's publication. Collection method: research. Allele origin: germline. Affected: yes.

Labcorp Genetics (formerly Invitae), Labcorp
Classification: Uncertain significance. Last evaluated: 2022-06-27. Review status: criteria provided, single submitter. Criteria: Invitae Variant Classification Sherloc (09022015). Collection method: clinical testing. Allele origin: germline.
Comment: In summary, the available evidence is currently insufficient to determine the role of this variant in disease. Therefore, it has been classified as a Variant of Uncertain Significance. Algorithms developed to predict the effect of missense changes on protein structure and function are either unavailable or do not agree on the potential impact of this missense change (SIFT: "Deleterious"; PolyPhen-2: "Probably Damaging"; Align-GVGD: "Class C0"). This missense change has been observed in individual(s) with retinitis pigmentosa (PMID: 33177553). This variant is present in population databases (rs760089278, gnomAD 0.06%). This sequence change replaces arginine, which is basic and polar, with glutamine, which is neutral and polar, at codon 272 of the PDE6B protein (p.Arg272Gln).

Blueprint Genetics
Classification: Uncertain significance. Last evaluated: 2019-07-12. Review status: criteria provided, single submitter. Criteria: ACMG Guidelines, 2015. Collection method: clinical testing. Allele origin: germline.

Literature cited by the submitters: PubMed 33177553 (cited by Labcorp Genetics (formerly Invitae), Labcorp).

NM_000283.4(PDE6B):c.815G>A (p.Arg272Gln)

Genes: PDE6B (phosphodiesterase 6B; plus strand), PDE6B-AS1 (PDE6B antisense RNA 1; minus strand). Cytogenetic location: 4p16.3.
Variant type: single nucleotide variant.
Coding change: c.815G>A on transcript NM_000283.4 (MANE Select); coding-DNA position 815, G replaced by A.
Protein change: p.Arg272Gln; replaces arginine 272 with glutamine.
Molecular consequence: missense variant. On other transcripts: 5 prime UTR variant (5).
Genome position (GRCh38, 1-based): chr4:653,955, G>A. VCF-style: chr4-653955-G-A. GRCh37 (hg19) VCF-style: chr4-647744-G-A.
Other names: c.815G>A, p.Arg272Gln (NM_001145291.2); c.-23G>A (NM_001145292.2, NM_001350154.3, NM_001379246.1 and 1 more transcripts); c.-226G>A (NM_001350155.3); short protein forms R272Q.
Identifiers: ClinVar variation 1393566 (VCV001393566.10), dbSNP rs760089278, ClinGen allele CA2794134.